The following is an entry in ClinVar:

ClinVar aggregate classification (germline): Uncertain significance (1 of 4 stars; one submission).

Allele frequency attached by ClinVar (database versions not stated): ESP Exome Variant Server 0.00008; 1000 Genomes Project 0.00020; 1000 Genomes Project 30x 0.00031.
gnomAD v4.1: 38 of 1,614,014 alleles (0.0024%); highest among the groups gnomAD compares: East Asian, 0.0045%; no homozygotes.

Submission:

Labcorp Genetics (formerly Invitae), Labcorp
Classification: Uncertain significance. Last evaluated: 2022-06-15. Review status: criteria provided, single submitter. Criteria: Invitae Variant Classification Sherloc (09022015). Collection method: clinical testing. Allele origin: germline.
Comment: This sequence change replaces valine, which is neutral and non-polar, with methionine, which is neutral and non-polar, at codon 276 of the LIG1 protein (p.Val276Met). This variant is present in population databases (rs373988317, gnomAD 0.006%). This variant has not been reported in the literature in individuals affected with LIG1-related conditions. Algorithms developed to predict the effect of missense changes on protein structure and function (SIFT, PolyPhen-2, Align-GVGD) all suggest that this variant is likely to be tolerated. In summary, the available evidence is currently insufficient to determine the role of this variant in disease. Therefore, it has been classified as a Variant of Uncertain Significance.

NM_000234.3(LIG1):c.826G>A (p.Val276Met)

Gene: LIG1 (DNA ligase 1; minus strand). Cytogenetic location: 19q13.33.
Variant type: single nucleotide variant.
Coding change: c.826G>A on transcript NM_000234.3 (MANE Select); coding-DNA position 826, G replaced by A.
Protein change: p.Val276Met; replaces valine 276 with methionine.
Molecular consequence: missense variant. On other transcripts: non-coding transcript variant (6).
Genome position (GRCh38, 1-based): chr19:48,143,914, C>T on the plus strand (G>A on the coding strand, the complement: LIG1 is on the minus strand). VCF-style: chr19-48143914-C-T. GRCh37 (hg19) VCF-style: chr19-48647171-C-T.
Other names: c.733G>A, p.Val245Met (NM_001289063.2); c.622G>A, p.Val208Met (NM_001289064.2); c.823G>A, p.Val275Met (NM_001320970.2); c.736G>A, p.Val246Met (NM_001320971.2); short protein forms V245M, V208M, V276M, V246M, V275M.
Identifiers: ClinVar variation 2183934 (VCV002183934.1), dbSNP rs373988317, ClinGen allele CA9547103.